The following is an entry in ClinVar:

ClinVar aggregate classification (germline): Uncertain significance (1 of 4 stars; one submission).

Allele frequency attached by ClinVar (database versions not stated): TOPMed below 0.00001.

Submission:

GeneDx
Classification: Uncertain significance. Last evaluated: 2021-05-25. Review status: criteria provided, single submitter. Criteria: GeneDx Variant Classification Process June 2021. Collection method: clinical testing. Allele origin: germline. Affected: yes.
Comment: Has not been previously published as pathogenic or benign to our knowledge; Not observed at significant frequency in large population cohorts (Leket al., 2016); In silico analysis supports that this missense variant does not alter protein structure/function

NM_003238.6(TGFB2):c.666A>G (p.Ile222Met)

Gene: TGFB2 (transforming growth factor beta 2; plus strand). Cytogenetic location: 1q41.
Variant type: single nucleotide variant.
Coding change: c.666A>G on transcript NM_003238.6 (MANE Select); coding-DNA position 666, A replaced by G.
Protein change: p.Ile222Met; replaces isoleucine 222 with methionine.
Molecular consequence: missense variant. On other transcripts: non-coding transcript variant (2).
Genome position (GRCh38, 1-based): chr1:218,434,360, A>G. VCF-style: chr1-218434360-A-G. GRCh37 (hg19) VCF-style: chr1-218607702-A-G.
Other names: c.750A>G, p.Ile250Met (NM_001135599.4); short protein forms I222M, I250M.
Identifiers: ClinVar variation 1326737 (VCV001326737.2), dbSNP rs1659904233, ClinGen allele CA344726772.